The following is an entry in ClinVar:

ClinVar aggregate classification (germline): Uncertain significance (1 of 4 stars; one submission).

Submission:

Labcorp Genetics (formerly Invitae), Labcorp
Classification: Uncertain significance. Last evaluated: 2021-04-29. Review status: criteria provided, single submitter. Criteria: Invitae Variant Classification Sherloc (09022015). Collection method: clinical testing. Allele origin: germline.
Comment: This sequence change replaces threonine with lysine at codon 823 of the MYSM1 protein (p.Thr823Lys). The threonine residue is weakly conserved and there is a moderate physicochemical difference between threonine and lysine. This variant is not present in population databases (ExAC no frequency). This variant has not been reported in the literature in individuals with MYSM1-related conditions. Algorithms developed to predict the effect of missense changes on protein structure and function (SIFT, PolyPhen-2, Align-GVGD) all suggest that this variant is likely to be tolerated, but these predictions have not been confirmed by published functional studies and their clinical significance is uncertain. In summary, the available evidence is currently insufficient to determine the role of this variant in disease. Therefore, it has been classified as a Variant of Uncertain Significance.

NM_001085487.3(MYSM1):c.2468C>A (p.Thr823Lys)

Gene: MYSM1 (Myb like, SWIRM and MPN domains 1; minus strand). Cytogenetic location: 1p32.1.
Variant type: single nucleotide variant.
Coding change: c.2468C>A on transcript NM_001085487.3 (MANE Select); coding-DNA position 2468, C replaced by A.
Protein change: p.Thr823Lys; replaces threonine 823 with lysine.
Molecular consequence: missense variant.
Genome position (GRCh38, 1-based): chr1:58,660,016, G>T on the plus strand (C>A on the coding strand, the complement: MYSM1 is on the minus strand). VCF-style: chr1-58660016-G-T. GRCh37 (hg19) VCF-style: chr1-59125688-G-T.
Other names: short protein forms T823K.
Identifiers: ClinVar variation 1516341 (VCV001516341.8), dbSNP rs532808188, ClinGen allele CA340517411.
Genomic context (GRCh38, chr1:58,660,016, plus strand): 5'-ATCTACTGTGTCAAGATTAAAATGTCTTAACTTTAAAATAATCACATTAACAATTCCTTT[G>T]TACAGTTCTCTTCGGTTACTCCATTCTCTTGGTTGCTTTTATAATTGGAAAGGAACAAAT-3'
Protein context (NP_001078956.1, residues 813-828): QENGVTEENC[Thr823Lys]KELLM